The following is an entry in ClinVar:

NM_001378454.1(ALMS1):c.269C>T (p.Pro90Leu)

Gene: ALMS1 (ALMS1 centrosome and basal body associated protein; plus strand). Cytogenetic location: 2p13.1.
Variant type: single nucleotide variant.
Coding change: c.269C>T on transcript NM_001378454.1 (MANE Select); coding-DNA position 269, C replaced by T.
Protein change: p.Pro90Leu; replaces proline 90 with leucine.
Molecular consequence: missense variant.
Genome position (GRCh38, 1-based): chr2:73,386,137, C>T. VCF-style: chr2-73386137-C-T. GRCh37 (hg19) VCF-style: chr2-73613265-C-T.
Other names: c.272C>T, p.Pro91Leu (NM_015120.4); short protein forms P90L, P91L.
Identifiers: ClinVar variation 2149085 (VCV002149085.1), dbSNP rs1305921569, ClinGen allele CA347250965.

ClinVar aggregate classification (germline): Uncertain significance (1 of 4 stars; one submission).

Conditions:
Alstrom syndrome (ALMS). Identifiers: Orphanet 64, MedGen C0268425, MONDO:0008763, OMIM 203800.

Allele frequency attached by ClinVar (database versions not stated): gnomAD exomes below 0.00001; gnomAD 0.00001; TOPMed 0.00001.
gnomAD v4.1: 3 of 1,562,978 alleles (0.00019%); highest among the groups gnomAD compares: Middle Eastern, 0.017%; no homozygotes.

Submission:

Labcorp Genetics (formerly Invitae), Labcorp
Classification: Uncertain significance for Alstrom syndrome. Last evaluated: 2022-05-12. Review status: criteria provided, single submitter. Criteria: Invitae Variant Classification Sherloc (09022015). Collection method: clinical testing. Allele origin: germline.
Comment: This sequence change replaces proline, which is neutral and non-polar, with leucine, which is neutral and non-polar, at codon 91 of the ALMS1 protein (p.Pro91Leu). This variant is present in population databases (no rsID available, gnomAD 0.002%). This variant has not been reported in the literature in individuals affected with ALMS1-related conditions. Experimental studies and prediction algorithms are not available or were not evaluated, and the functional significance of this variant is currently unknown. In summary, the available evidence is currently insufficient to determine the role of this variant in disease. Therefore, it has been classified as a Variant of Uncertain Significance.